The following is an entry in ClinVar:

ClinVar aggregate classification (germline): Likely pathogenic (1 of 4 stars; one submission).

Submission:

Quest Diagnostics Nichols Institute San Juan Capistrano
Classification: Likely pathogenic. Last evaluated: 2021-07-02. Review status: criteria provided, single submitter. Criteria: Quest Diagnostics criteria. Collection method: clinical testing. Allele origin: unknown.
Comment: This frameshift variant alters the translational reading frame of the MSH6 mRNA and is predicted to cause the premature termination of MSH6 protein synthesis. To the best of our knowledge, the variant has not been reported in the published literature. Based on the available information, the variant is predicted to be likely pathogenic.

NM_000179.3(MSH6):c.3513_3528del (p.Arg1172fs)

Gene: MSH6 (mutS homolog 6; plus strand). Cytogenetic location: 2p16.3.
Variant type: Deletion.
Coding change: c.3513_3528del on transcript NM_000179.3 (MANE Select); coding-DNA positions 3513 to 3528, 16 bases deleted (TAGAGTGTTTACTAGA).
Protein change: p.Arg1172fs; shifts the reading frame from arginine 1172.
Molecular consequence: frameshift variant.
Genome position (GRCh38, 1-based): chr2:47,804,984-47,804,999, TAGAGTGTTTACTAGA deleted; deleting any 16 consecutive bases within chr2:47,804,982-47,804,999 gives the same sequence; the c. name uses the placement nearest the transcript's 3' end. VCF-style (leftmost placement, unchanged base first): chr2-47804981-TGATAGAGTGTTTACTA-T. GRCh37 (hg19) VCF-style: chr2-48032120-TGATAGAGTGTTTACTA-T.
Other names: c.3513_3528del16, p.Arg1172Leufs (NM_000179.2, NM_001406796.1, NM_001406800.1 and 2 more transcripts); c.3123_3138del, p.Arg1042fs (NM_001281492.2); c.2607_2622del, p.Arg870fs (NM_001281493.2, NM_001281494.2); c.3609_3624del16, p.Arg1204Leufs (NM_001406795.1, NM_001406802.1); c.3216_3231del16, p.Arg1073Leufs (NM_001406797.1, NM_001406801.1, NM_001406805.1 and 10 more transcripts); c.3339_3354del16, p.Arg1114Leufs (NM_001406798.1); c.2988_3003del16, p.Arg997Leufs (NM_001406799.1, NM_001406806.1, NM_001406807.1); c.2649_2664del16, p.Arg884Leufs (NM_001406803.1); and 8 more; short protein forms R1042fs, R1172fs, R870fs.
Identifiers: ClinVar variation 1809524 (VCV001809524.1), dbSNP rs2530803610, ClinGen allele CA2576961574.